The following is an entry in ClinVar:

ClinVar aggregate classification (germline): Uncertain significance (1 of 4 stars; one submission).

Submission:

Labcorp Genetics (formerly Invitae), Labcorp
Classification: Uncertain significance. Last evaluated: 2024-06-19. Review status: criteria provided, single submitter. Criteria: Invitae Variant Classification Sherloc (09022015). Collection method: clinical testing. Allele origin: germline.
Comment: This sequence change replaces glycine, which is neutral and non-polar, with arginine, which is basic and polar, at codon 479 of the C1S protein (p.Gly479Arg). This variant is not present in population databases (gnomAD no frequency). This variant has not been reported in the literature in individuals affected with C1S-related conditions. Advanced modeling of protein sequence and biophysical properties (such as structural, functional, and spatial information, amino acid conservation, physicochemical variation, residue mobility, and thermodynamic stability) performed at Invitae indicates that this missense variant is not expected to disrupt C1S protein function with a negative predictive value of 80%. In summary, the available evidence is currently insufficient to determine the role of this variant in disease. Therefore, it has been classified as a Variant of Uncertain Significance.

NM_001734.5(C1S):c.1435G>A (p.Gly479Arg)

Gene: C1S (complement C1s; plus strand). Cytogenetic location: 12p13.31.
Variant type: single nucleotide variant.
Coding change: c.1435G>A on transcript NM_001734.5 (MANE Select); coding-DNA position 1435, G replaced by A.
Protein change: p.Gly479Arg; replaces glycine 479 with arginine.
Molecular consequence: missense variant.
Genome position (GRCh38, 1-based): chr12:7,070,019, G>A. VCF-style: chr12-7070019-G-A. GRCh37 (hg19) VCF-style: chr12-7177323-G-A.
Other names: c.934G>A, p.Gly312Arg (NM_001346850.2); c.1435G>A, p.Gly479Arg (NM_201442.4); short protein forms G479R, G312R.
Identifiers: ClinVar variation 3656976 (VCV003656976.2).